The following is an entry in ClinVar:

NM_005886.3(KATNB1):c.970C>T (p.Gln324Ter)

Gene: KATNB1 (katanin regulatory subunit B1; plus strand). Cytogenetic location: 16q21.
Variant type: single nucleotide variant.
Coding change: c.970C>T on transcript NM_005886.3 (MANE Select); coding-DNA position 970, C replaced by T.
Protein change: p.Gln324Ter; replaces glutamine 324 with a stop codon.
Molecular consequence: nonsense.
Genome position (GRCh38, 1-based): chr16:57,753,191, C>T. VCF-style: chr16-57753191-C-T. GRCh37 (hg19) VCF-style: chr16-57787103-C-T.
Other names: short protein forms Q324*.
Identifiers: ClinVar variation 4818946 (VCV004818946.2).

ClinVar aggregate classification (germline): Pathogenic (1 of 4 stars; one submission).

Conditions:
Lissencephaly 6 with microcephaly. Identifiers: Orphanet 1083, MedGen C4015525, MONDO:0014534, OMIM 616212.

Submission:

Victorian Clinical Genetics Services, Murdoch Childrens Research Institute
Classification: Pathogenic for Lissencephaly 6 with microcephaly. Last evaluated: 2026-02-09. Review status: criteria provided, single submitter. Criteria: ACMG Guidelines, 2015. Collection method: clinical testing. Allele origin: germline. Affected: yes.
Comment: This variant is classified as Pathogenic. Evidence in support of pathogenic classification: Variant is predicted to cause nonsense-mediated decay (NMD) and loss of protein (premature termination codon is located at least 54 nucleotides upstream of the final exon-exon junction); Variant is absent from gnomAD (v2, v3 and v4); Other NMD-predicted variant(s) comparable to the one identified in this case have strong previous evidence for pathogenicity (DECIPHER). Additional information: This variant is homozygous; This gene is associated with autosomal recessive disease; This variant has no previous evidence of pathogenicity; No published evidence of segregation with disease has been identified for this variant; No published functional evidence has been identified for this variant; Loss of function is a known mechanism of disease in this gene and is associated with lissencephaly 6, with microcephaly (MIM#616212).